The following is an entry in ClinVar:

ClinVar aggregate classification (germline): Uncertain significance. Review status: criteria provided, multiple submitters, no conflicts (2 of 4 stars). 3 submissions from 3 submitters: Uncertain significance (3). Last evaluated 2025-04-17.

Conditions:
Autosomal recessive Robinow syndrome (RRS1). Also called: ROBINOW SYNDROME, AUTOSOMAL RECESSIVE 1; COSTOVERTEBRAL SEGMENTATION DEFECT WITH MESOMELIA; COVESDEM SYNDROME; ROR2-Related Robinow Syndrome. Identifiers: Orphanet 1507, Orphanet 97360, MedGen C5399974, MONDO:0009999, OMIM 268310.
Brachydactyly type B1 (BDB1). Identifiers: Orphanet 572385, Orphanet 93383, MedGen C1862112, MONDO:0007220, OMIM 113000.

gnomAD v4.1: 9 of 1,610,202 alleles (0.00056%); highest among the groups gnomAD compares: African/African-American, 0.0093%; no homozygotes.

Submissions (3):

Labcorp Genetics (formerly Invitae), Labcorp
Classification: Uncertain significance. Last evaluated: 2025-04-17. Review status: criteria provided, single submitter. Criteria: Invitae Variant Classification Sherloc (09022015). Collection method: clinical testing. Allele origin: germline.
Comment: This sequence change replaces methionine, which is neutral and non-polar, with leucine, which is neutral and non-polar, at codon 567 of the ROR2 protein (p.Met567Leu). This variant is present in population databases (rs552717097, gnomAD 0.02%). This variant has not been reported in the literature in individuals affected with ROR2-related conditions. ClinVar contains an entry for this variant (Variation ID: 3597741). Invitae Evidence Modeling of protein sequence and biophysical properties (such as structural, functional, and spatial information, amino acid conservation, physicochemical variation, residue mobility, and thermodynamic stability) indicates that this missense variant is not expected to disrupt ROR2 protein function with a negative predictive value of 80%. In summary, the available evidence is currently insufficient to determine the role of this variant in disease. Therefore, it has been classified as a Variant of Uncertain Significance.

Blueprint Genetics
Classification: Uncertain significance. Last evaluated: 2024-05-28. Review status: criteria provided, single submitter. Criteria: ACMG Guidelines, 2015. Collection method: clinical testing. Allele origin: germline.

Fulgent Genetics
Classification: Uncertain significance for Brachydactyly type B1; Autosomal recessive Robinow syndrome. Last evaluated: 2024-03-22. Review status: criteria provided, single submitter. Criteria: ACMG Guidelines, 2015. Collection method: clinical testing. Allele origin: germline.

NM_004560.4(ROR2):c.1699A>T (p.Met567Leu)

Gene: ROR2 (ROR family WNT receptor 2; minus strand). Cytogenetic location: 9q22.31.
Variant type: single nucleotide variant.
Coding change: c.1699A>T on transcript NM_004560.4 (MANE Select); coding-DNA position 1699, A replaced by T.
Protein change: p.Met567Leu; replaces methionine 567 with leucine.
Molecular consequence: missense variant.
Genome position (GRCh38, 1-based): chr9:91,724,795, T>A on the plus strand (A>T on the coding strand, the complement: ROR2 is on the minus strand). VCF-style: chr9-91724795-T-A. GRCh37 (hg19) VCF-style: chr9-94487077-T-A.
Other names: short protein forms M567L.
Identifiers: ClinVar variation 3597741 (VCV003597741.4).
Genomic context (GRCh38, chr9:91,724,795, plus strand): 5'-GGGCGGACTTCACCGTGCGGTCATCATCGGTGCTGCCCACGTCCGAGTGCGGCGAGCGCA[T>A]GACCAGGAATTCGTGGAGGTCGCCGTGCGAACAGTAGCTGAAGATCATGCTCAGGGGCTG-3'
Protein context (NP_004551.2, residues 557-577): SHGDLHEFLV[Met567Leu]RSPHSDVGST